The following is an entry in ClinVar:

ClinVar aggregate classification (germline): Conflicting classifications of pathogenicity. Review status: criteria provided, conflicting classifications (1 of 4 stars). 4 submissions from 4 submitters: Uncertain significance (2); Likely benign (2). Last evaluated 2024-11-04.

Conditions:
Familial renal glucosuria (GLYS). Also called: RENAL GLUCOSURIA, AUTOSOMAL DOMINANT; Familial renal glycosuria. Identifiers: Orphanet 69076, MedGen C3245525, MONDO:0009297, OMIM 233100.
SLC5A2-related disorder. Also called: SLC5A2-related condition.

Allele frequency attached by ClinVar (database versions not stated): 1000 Genomes Project 30x 0.00078; 1000 Genomes Project 0.00080; ExAC 0.00150; gnomAD exomes 0.00170 and 0.00365; gnomAD 0.00221 and 0.00240; TOPMed 0.00260; ESP Exome Variant Server 0.00346.
gnomAD v4.1: 5,597 of 1,605,452 alleles (0.35%); highest among the groups gnomAD compares: Non-Finnish European, 0.45%; 13 homozygotes.

Submissions (4):

PreventionGenetics, part of Exact Sciences
Classification: Likely benign for SLC5A2-related condition. Last evaluated: 2024-11-04. Review status: criteria provided, single submitter. Criteria: ACMG Guidelines, 2015. Collection method: clinical testing. Allele origin: germline.
Comment: This variant is classified as likely benign based on ACMG/AMP sequence variant interpretation guidelines (Richards et al. 2015 PMID: 25741868, with internal and published modifications).

GeneDx
Classification: Uncertain significance. Last evaluated: 2021-04-12. Review status: criteria provided, single submitter. Criteria: GeneDx Variant Classification Process June 2021. Collection method: clinical testing. Allele origin: germline. Affected: yes.
Comment: In silico analysis supports that this missense variant does not alter protein structure/function; Has not been previously published as pathogenic or benign to our knowledge

Labcorp Genetics (formerly Invitae), Labcorp
Classification: Likely benign. Last evaluated: 2018-07-19. Review status: criteria provided, single submitter. Criteria: Invitae Variant Classification Sherloc (09022015). Collection method: clinical testing. Allele origin: germline.

Illumina Laboratory Services, Illumina
Classification: Uncertain significance for Familial renal glucosuria. Last evaluated: 2018-01-13. Review status: criteria provided, single submitter. Criteria: ICSL Variant Classification Criteria 13 December 2019. Collection method: clinical testing. Allele origin: germline.

NM_003041.4(SLC5A2):c.1297A>G (p.Ile433Val)

Gene: SLC5A2 (solute carrier family 5 member 2; plus strand). Cytogenetic location: 16p11.2.
Variant type: single nucleotide variant.
Coding change: c.1297A>G on transcript NM_003041.4 (MANE Select); coding-DNA position 1297, A replaced by G.
Protein change: p.Ile433Val; replaces isoleucine 433 with valine.
Molecular consequence: missense variant.
Genome position (GRCh38, 1-based): chr16:31,488,896, A>G. VCF-style: chr16-31488896-A-G. GRCh37 (hg19) VCF-style: chr16-31500217-A-G.
Other names: short protein forms I433V.
Identifiers: ClinVar variation 319062 (VCV000319062.12), dbSNP rs150546732, ClinGen allele CA8031098.